The following is an entry in ClinVar:

ClinVar aggregate classification (germline): Uncertain significance (1 of 4 stars; one submission).

Conditions:
Inborn genetic diseases. Identifiers: MedGen C0950123, MeSH D030342.

Allele frequency attached by ClinVar (database versions not stated): gnomAD exomes below 0.00001; ExAC 0.00001; TOPMed 0.00002; gnomAD 0.00001; ESP Exome Variant Server 0.00008; 1000 Genomes Project 30x 0.00016; 1000 Genomes Project 0.00020.
gnomAD v4.1: 3 of 1,613,906 alleles (0.00019%); highest among the groups gnomAD compares: African/African-American, 0.0027%; no homozygotes.

Submission:

Ambry Genetics
Classification: Uncertain significance for Inborn genetic diseases. Last evaluated: 2020-12-24. Review status: criteria provided, single submitter. Criteria: Ambry Variant Classification Scheme 2023. Collection method: clinical testing. Allele origin: germline.
Comment: The p.Q858* variant (also known as c.2572C>T), located in coding exon 15 of the TRPV4 gene, results from a C to T substitution at nucleotide position 2572. This changes the amino acid from a glutamine to a stop codon within coding exon 15. This alteration is expected to result in premature protein truncation or nonsense-mediated mRNA decay. However, loss of function of TRPV4 has not been clearly established as a mechanism of disease. Since supporting evidence is limited at this time, the clinical significance of this alteration remains unclear.

NM_021625.5(TRPV4):c.2572C>T (p.Gln858Ter)

Gene: TRPV4 (transient receptor potential cation channel subfamily V member 4; minus strand). Cytogenetic location: 12q24.11.
Variant type: single nucleotide variant.
Coding change: c.2572C>T on transcript NM_021625.5 (MANE Select); coding-DNA position 2572, C replaced by T.
Protein change: p.Gln858Ter; replaces glutamine 858 with a stop codon.
Molecular consequence: nonsense.
Genome position (GRCh38, 1-based): chr12:109,783,665, G>A on the plus strand (C>T on the coding strand, the complement: TRPV4 is on the minus strand). VCF-style: chr12-109783665-G-A. GRCh37 (hg19) VCF-style: chr12-110221470-G-A.
Other names: c.2431C>T, p.Gln811Ter (NM_001177428.2); c.2470C>T, p.Gln824Ter (NM_001177431.2); c.2251C>T, p.Gln751Ter (NM_001177433.2); c.2392C>T, p.Gln798Ter (NM_147204.3); short protein forms Q858*, Q811*, Q751*, Q798*, Q824*.
Identifiers: ClinVar variation 1793260 (VCV001793260.2), dbSNP rs144477274, ClinGen allele CA6779855.